The following is an entry in ClinVar:

NM_001368397.1(FRMPD4):c.1840G>A (p.Gly614Arg)

Gene: FRMPD4 (FERM and PDZ domain containing 4; plus strand). Cytogenetic location: Xp22.2.
Variant type: single nucleotide variant.
Coding change: c.1840G>A on transcript NM_001368397.1 (MANE Select); coding-DNA position 1840, G replaced by A.
Protein change: p.Gly614Arg; replaces glycine 614 with arginine.
Molecular consequence: missense variant.
Genome position (GRCh38, 1-based): chrX:12,716,299, G>A. VCF-style: chrX-12716299-G-A. GRCh37 (hg19) VCF-style: chrX-12734418-G-A.
Other names: c.1951G>A, p.Gly651Arg (NM_001368395.3, NM_001368398.3); c.1846G>A, p.Gly616Arg (NM_001368396.3); c.1831G>A, p.Gly611Arg (NM_001368399.3); c.1720G>A, p.Gly574Arg (NM_001368400.3); c.1816G>A, p.Gly606Arg (NM_001368401.1, NM_001368402.3); c.1840G>A, p.Gly614Arg (NM_014728.3); short protein forms G574R, G606R, G616R, G611R, G614R, G651R.
Identifiers: ClinVar variation 739005 (VCV000739005.7), dbSNP rs748144907, ClinGen allele CA10349370.
Genomic context (GRCh38, chrX:12,716,299, plus strand): 5'-CACTTGTACATAGACAATGCCTATAGTTCAGATGGACTTAACCAGCAGCTGAGCCAGCCC[G>A]GGGAGGCCCCCTGTGAGGCAGACTACAGAAGTCTAGCTCAGCGGTCCCTATTGACCCTCT-3'
Protein context (NP_001355326.1, residues 604-624): DGLNQQLSQP[Gly614Arg]EAPCEADYRS

ClinVar aggregate classification (germline): Benign/Likely benign. Review status: criteria provided, multiple submitters, no conflicts (2 of 4 stars). 3 submissions from 3 submitters: Benign (1); Likely benign (1). 1 of the submissions does not count toward it. Last evaluated 2026-04-01.

Conditions:
FRMPD4-related disorder. Also called: FRMPD4-related condition.

Allele frequency attached by ClinVar (database versions not stated): gnomAD 0.00006 and 0.00007; TOPMed 0.00008; ExAC 0.00030; gnomAD exomes 0.00032.
gnomAD v4.1: 96 of 1,208,600 alleles (0.0079%); highest among the groups gnomAD compares: Admixed American, 0.14%; no homozygotes.

Submissions (3):

CeGaT Center for Human Genetics Tuebingen
Classification: Likely benign. Last evaluated: 2026-04-01. Review status: criteria provided, single submitter. Criteria: CeGaT Center For Human Genetics Tuebingen Variant Classification Criteria Version 2. Collection method: clinical testing. Allele origin: germline. Affected: yes. Observed: 1 variant allele.
Comment: FRMPD4: BP4, BS2

Labcorp Genetics (formerly Invitae), Labcorp
Classification: Benign. Last evaluated: 2018-07-27. Review status: criteria provided, single submitter. Criteria: Invitae Variant Classification Sherloc (09022015). Collection method: clinical testing. Allele origin: germline.

PreventionGenetics, part of Exact Sciences
Classification: Likely benign for FRMPD4-related condition. Last evaluated: 2021-04-22. Review status: no assertion criteria provided. Collection method: clinical testing. Allele origin: germline. Not counted in ClinVar's aggregate classification.
Comment: This variant is classified as likely benign based on ACMG/AMP sequence variant interpretation guidelines (Richards et al. 2015 PMID: 25741868, with internal and published modifications).